The following is an entry in ClinVar:

NM_022051.3(EGLN1):c.190G>A (p.Ala64Thr)

Gene: EGLN1 (egl-9 family hypoxia inducible factor 1; minus strand). Cytogenetic location: 1q42.2.
Variant type: single nucleotide variant.
Coding change: c.190G>A on transcript NM_022051.3 (MANE Select); coding-DNA position 190, G replaced by A.
Protein change: p.Ala64Thr; replaces alanine 64 with threonine.
Molecular consequence: missense variant.
Genome position (GRCh38, 1-based): chr1:231,421,699, C>T on the plus strand (G>A on the coding strand, the complement: EGLN1 is on the minus strand). VCF-style: chr1-231421699-C-T. GRCh37 (hg19) VCF-style: chr1-231557445-C-T.
Other names: c.190G>A, p.Ala64Thr (NM_001377260.1, NM_001377261.1); short protein forms A64T.
Identifiers: ClinVar variation 957050 (VCV000957050.7), dbSNP rs776333127, ClinGen allele CA1453195.

ClinVar aggregate classification (germline): Conflicting classifications of pathogenicity. Review status: criteria provided, conflicting classifications (1 of 4 stars). 2 submissions from 2 submitters: Uncertain significance (1); Likely benign (1). Last evaluated 2025-01-28.

Conditions:
Erythrocytosis, familial, 3 (ECYT3). Identifiers: Orphanet 247511, MedGen C1853286, MONDO:0012353, OMIM 609820.

Allele frequency attached by ClinVar (database versions not stated): TOPMed below 0.00001; gnomAD 0.00001; gnomAD exomes 0.00001 and 0.00003; ExAC 0.00008.
gnomAD v4.1: 16 of 1,513,682 alleles (0.0011%); highest among the groups gnomAD compares: Middle Eastern, 0.023%; no homozygotes.

Submissions (2):

Ambry Genetics
Classification: Likely benign. Last evaluated: 2025-01-28. Review status: criteria provided, single submitter. Criteria: Ambry Variant Classification Scheme 2023. Collection method: clinical testing. Allele origin: germline.

Labcorp Genetics (formerly Invitae), Labcorp
Classification: Uncertain significance for Erythrocytosis, familial, 3. Last evaluated: 2024-07-11. Review status: criteria provided, single submitter. Criteria: Invitae Variant Classification Sherloc (09022015). Collection method: clinical testing. Allele origin: germline.
Comment: This sequence change replaces alanine, which is neutral and non-polar, with threonine, which is neutral and polar, at codon 64 of the EGLN1 protein (p.Ala64Thr). The frequency data for this variant in the population databases is considered unreliable, as metrics indicate poor data quality at this position in the gnomAD database. This variant has not been reported in the literature in individuals affected with EGLN1-related conditions. ClinVar contains an entry for this variant (Variation ID: 957050). An algorithm developed to predict the effect of missense changes on protein structure and function (PolyPhen-2) suggests that this variant is likely to be disruptive. In summary, the available evidence is currently insufficient to determine the role of this variant in disease. Therefore, it has been classified as a Variant of Uncertain Significance.